The following is an entry in ClinVar:

NC_000023.11:g.(?_32216906)_(33211366_?)del

Gene: DMD (dystrophin; minus strand). Cytogenetic location: Xp21.1.
Variant type: Deletion.
Identifiers: ClinVar variation 830622 (VCV000830622.2).

ClinVar aggregate classification (germline): Pathogenic (1 of 4 stars; one submission).

Conditions:
Duchenne muscular dystrophy (DMD). Also called: Duchenne Muscular Dystrophy (DMD); MUSCULAR DYSTROPHY, PSEUDOHYPERTROPHIC PROGRESSIVE, DUCHENNE TYPE. Identifiers: Orphanet 98896, MedGen C0013264, MONDO:0010679, OMIM 310200.

Submission:

Labcorp Genetics (formerly Invitae), Labcorp
Classification: Pathogenic for Duchenne muscular dystrophy. Last evaluated: 2019-12-28. Review status: criteria provided, single submitter. Criteria: Invitae Variant Classification Sherloc (09022015). Collection method: clinical testing. Allele origin: germline.
Comment: This variant is a gross deletion of the genomic region encompassing exons 1-44 of the DMD gene, which includes the initiator codon. The 5' end of this event is unknown as it extends beyond the assayed region for this gene and therefore may encompass additional genes. The 3' boundary is likely confined to intron 44 of the DMD gene. This is expected to result in an absent or disrupted protein product. Similar deletions have been observed in individual(s) with Duchenne muscular dystrophy (PMID: 17259292, 18055393). Loss-of-function variants in DMD are known to be pathogenic (PMID: 16770791, 25007885). For these reasons, this variant has been classified as Pathogenic.

Literature cited by the submitters: PubMed 17259292; PubMed 18055393; PubMed 16770791; PubMed 25007885.